The following is an entry in ClinVar:

ClinVar aggregate classification (germline): Uncertain significance (1 of 4 stars; one submission).

Conditions:
Cardiovascular phenotype. Identifiers: MedGen CN230736.
Hereditary cancer-predisposing syndrome. Also called: Neoplastic Syndromes, Hereditary; Tumor predisposition; Hereditary Cancer Syndrome; Hereditary neoplastic syndrome. Identifiers: Orphanet 140162, MedGen C0027672, MeSH D009386, MONDO:0015356.

Submission:

Ambry Genetics
Classification: Uncertain significance for Cardiovascular phenotype; Hereditary cancer-predisposing syndrome. Last evaluated: 2022-02-07. Review status: criteria provided, single submitter. Criteria: Ambry Variant Classification Scheme 2023. Collection method: clinical testing. Allele origin: germline.
Comment: The p.G2313V variant (also known as c.6938G>T), located in coding exon 46 of the NF1 gene, results from a G to T substitution at nucleotide position 6938. The glycine at codon 2313 is replaced by valine, an amino acid with dissimilar properties. This amino acid position is conserved. In addition, this alteration is predicted to be deleterious by in silico analysis. Since supporting evidence is limited at this time, the clinical significance of this alteration remains unclear.

NM_001042492.3(NF1):c.7001G>T (p.Gly2334Val)

Gene: NF1 (neurofibromin 1; plus strand). Cytogenetic location: 17q11.2.
Variant type: single nucleotide variant.
Coding change: c.7001G>T on transcript NM_001042492.3 (MANE Select); coding-DNA position 7001, G replaced by T.
Protein change: p.Gly2334Val; replaces glycine 2334 with valine.
Molecular consequence: missense variant.
Genome position (GRCh38, 1-based): chr17:31,340,584, G>T. VCF-style: chr17-31340584-G-T. GRCh37 (hg19) VCF-style: chr17-29667602-G-T.
Other names: c.6938G>T, p.Gly2313Val (NM_000267.4); short protein forms G2313V, G2334V.
Identifiers: ClinVar variation 1756226 (VCV001756226.2), dbSNP rs2151561783, ClinGen allele CA399015013.
Genomic context (GRCh38, chr17:31,340,584, plus strand): 5'-CCCTCTTTTGGGTAGCTGTGGCTGTGCTGCAGCTTGATGAGGTCAACTTGTATTCAGCAG[G>T]TACCGCACTTCTTGAACAAAACCTGCATACTTTAGATAGTCTCCGTATATTCAATGACAA-3'
Protein context (NP_001035957.1, residues 2324-2344): QLDEVNLYSA[Gly2334Val]TALLEQNLHT